The following is an entry in ClinVar:

NM_003482.4(KMT2D):c.5850C>A (p.Ser1950=)

Gene: KMT2D (lysine methyltransferase 2D; minus strand). Cytogenetic location: 12q13.12.
Variant type: single nucleotide variant.
Coding change: c.5850C>A on transcript NM_003482.4 (MANE Select); coding-DNA position 5850, C replaced by A.
Protein change: p.Ser1950=; no amino-acid change (serine 1950 retained).
Molecular consequence: synonymous variant.
Genome position (GRCh38, 1-based): chr12:49,042,578, G>T on the plus strand (C>A on the coding strand, the complement: KMT2D is on the minus strand). VCF-style: chr12-49042578-G-T. GRCh37 (hg19) VCF-style: chr12-49436361-G-T.
Identifiers: ClinVar variation 3348612 (VCV003348612.1).

ClinVar aggregate classification (germline): Likely benign (0 of 4 stars; one submission).

Conditions:
KMT2D-related disorder. Also called: KMT2D-Related Disorders.

Submission:

PreventionGenetics, part of Exact Sciences
Classification: Likely benign for KMT2D-related condition. Last evaluated: 2024-07-24. Review status: no assertion criteria provided. Collection method: clinical testing. Allele origin: germline.
Comment: This variant is classified as likely benign based on ACMG/AMP sequence variant interpretation guidelines (Richards et al. 2015 PMID: 25741868, with internal and published modifications).